The following is an entry in ClinVar:

ClinVar aggregate classification (germline): Uncertain significance (1 of 4 stars; one submission).

Allele frequency attached by ClinVar (database versions not stated): gnomAD 0.00001; gnomAD exomes 0.00001 and 0.00003; TOPMed 0.00002; ESP Exome Variant Server 0.00009; ExAC 0.00020.
gnomAD v4.1: 18 of 1,546,730 alleles (0.0012%); highest among the groups gnomAD compares: South Asian, 0.011%; no homozygotes.

Submission:

Labcorp Genetics (formerly Invitae), Labcorp
Classification: Uncertain significance. Last evaluated: 2025-04-14. Review status: criteria provided, single submitter. Criteria: Invitae Variant Classification Sherloc (09022015). Collection method: clinical testing. Allele origin: germline.
Comment: This sequence change replaces glycine, which is neutral and non-polar, with glutamic acid, which is acidic and polar, at codon 269 of the PRDM13 protein (p.Gly269Glu). This variant is present in population databases (rs375877644, gnomAD 0.02%). This variant has not been reported in the literature in individuals affected with PRDM13-related conditions. ClinVar contains an entry for this variant (Variation ID: 1400882). An algorithm developed to predict the effect of missense changes on protein structure and function (PolyPhen-2) suggests that this variant is likely to be tolerated. In summary, the available evidence is currently insufficient to determine the role of this variant in disease. Therefore, it has been classified as a Variant of Uncertain Significance.

NM_021620.4(PRDM13):c.806G>A (p.Gly269Glu)

Gene: PRDM13 (PR/SET domain 13; plus strand). Cytogenetic location: 6q16.2.
Variant type: single nucleotide variant.
Coding change: c.806G>A on transcript NM_021620.4 (MANE Select); coding-DNA position 806, G replaced by A.
Protein change: p.Gly269Glu; replaces glycine 269 with glutamic acid.
Molecular consequence: missense variant.
Genome position (GRCh38, 1-based): chr6:99,613,441, G>A. VCF-style: chr6-99613441-G-A. GRCh37 (hg19) VCF-style: chr6-100061317-G-A.
Other names: short protein forms G269E.
Identifiers: ClinVar variation 1400882 (VCV001400882.8), dbSNP rs375877644, ClinGen allele CA3936281.